The following is an entry in ClinVar:

NM_006914.4(RORB):c.1094C>T (p.Ala365Val)

Gene: RORB (RAR related orphan receptor B; plus strand). Cytogenetic location: 9q21.13.
Variant type: single nucleotide variant.
Coding change: c.1094C>T on transcript NM_006914.4 (MANE Select); coding-DNA position 1094, C replaced by T.
Protein change: p.Ala365Val; replaces alanine 365 with valine.
Molecular consequence: missense variant.
Genome position (GRCh38, 1-based): chr9:74,667,884, C>T. VCF-style: chr9-74667884-C-T. GRCh37 (hg19) VCF-style: chr9-77282800-C-T.
Other names: c.1127C>T, p.Ala376Val (NM_001365023.1); short protein forms A365V, A376V.
Identifiers: ClinVar variation 1917421 (VCV001917421.5), dbSNP rs2489639685, ClinGen allele CA373771543.

ClinVar aggregate classification (germline): Uncertain significance (1 of 4 stars; one submission).

Submission:

Labcorp Genetics (formerly Invitae), Labcorp
Classification: Uncertain significance. Last evaluated: 2025-11-11. Review status: criteria provided, single submitter. Criteria: Invitae Variant Classification Sherloc (09022015). Collection method: clinical testing. Allele origin: germline.
Comment: This sequence change replaces alanine, which is neutral and non-polar, with valine, which is neutral and non-polar, at codon 365 of the RORB protein (p.Ala365Val). This variant is not present in population databases (gnomAD no frequency). This missense change has been observed in at least one individual who was not affected with RORB-related conditions (internal data). ClinVar contains an entry for this variant (Variation ID: 1917421). An algorithm developed to predict the effect of missense changes on protein structure and function (PolyPhen-2) suggests that this variant is likely to be tolerated. In summary, the available evidence is currently insufficient to determine the role of this variant in disease. Therefore, it has been classified as a Variant of Uncertain Significance.